The following is an entry in ClinVar:

ClinVar aggregate classification (germline): Likely pathogenic (1 of 4 stars; one submission).

Conditions:
Hyperphosphatasia with impaired intellectual development syndrome 4. Also called: Hyperphosphatasia with intellectual disability syndrome 4; GLYCOSYLPHOSPHATIDYLINOSITOL BIOSYNTHESIS DEFECT 10. Identifiers: Orphanet 247262, MedGen C3810354, MONDO:0014318, OMIM 615716.

Submission:

Laboratorio de Genetica e Diagnostico Molecular, Hospital Israelita Albert Einstein
Classification: Likely pathogenic for Hyperphosphatasia with impaired intellectual development syndrome 4. Last evaluated: 2021-06-03. Review status: criteria provided, single submitter. Criteria: ACMG Guidelines, 2015. Collection method: clinical testing. Allele origin: germline. Affected: yes.
Comment: ACMG classification criteria: PVS1 very strong, PM2 moderate

NM_033419.5(PGAP3):c.50_52delinsC (p.Leu17fs)

Gene: PGAP3 (post-GPI attachment to proteins phospholipase 3; minus strand). Cytogenetic location: 17q12.
Variant type: Indel.
Coding change: c.50_52delinsC on transcript NM_033419.5 (MANE Select); coding-DNA positions 50 to 52, TGG replaced by C.
Protein change: p.Leu17fs; shifts the reading frame from leucine 17.
Molecular consequence: frameshift variant.
Genome position (GRCh38, 1-based): chr17:39,687,963-39,687,965, CCA replaced by G on the plus strand (TGG replaced by C on the coding strand, the reverse complement: PGAP3 is on the minus strand). VCF-style: chr17-39687963-CCA-G. GRCh37 (hg19) VCF-style: chr17-37844216-CCA-G.
Other names: c.50_52delinsC, p.Leu17fs (NM_001291726.2, NM_001291728.2, NM_001291730.2 and 2 more transcripts); short protein forms L17fs.
Identifiers: ClinVar variation 1683736 (VCV001683736.2), dbSNP rs2145169684, ClinGen allele CA2573153701.